The following is an entry in ClinVar:

NM_001365536.1(SCN9A):c.4616A>G (p.Gln1539Arg)

Genes: SCN9A (sodium voltage-gated channel alpha subunit 9; minus strand), SCN1A-AS1 (SCN1A and SCN9A antisense RNA 1; plus strand). Cytogenetic location: 2q24.3.
Variant type: single nucleotide variant.
Coding change: c.4616A>G on transcript NM_001365536.1 (MANE Select); coding-DNA position 4616, A replaced by G.
Protein change: p.Gln1539Arg; replaces glutamine 1539 with arginine.
Molecular consequence: missense variant.
Genome position (GRCh38, 1-based): chr2:166,204,113, T>C on the plus strand (A>G on the coding strand, the complement: SCN9A is on the minus strand). VCF-style: chr2-166204113-T-C. GRCh37 (hg19) VCF-style: chr2-167060623-T-C.
Other names: c.4583A>G, p.Gln1528Arg (NM_002977.4); short protein forms Q1528R, Q1539R.
Identifiers: ClinVar variation 4687977 (VCV004687977.1).

ClinVar aggregate classification (germline): Uncertain significance (1 of 4 stars; one submission).

Conditions:
Primary erythromelalgia. Also called: SCN9A Erythromelalgia (SCN9A-EM); primary erythermalgia. Identifiers: Orphanet 306577, Orphanet 90026, MedGen C0014805, MONDO:0007571, OMIM 133020.

Submission:

Human Genetics Bochum, Ruhr University Bochum
Classification: Uncertain significance for Primary erythromelalgia. Last evaluated: 2025-12-17. Review status: criteria provided, single submitter. Criteria: ACMG Guidelines, 2015. Collection method: clinical testing. Allele origin: germline. Affected: yes.
Comment: ACMG criteria used to clasify this variant: PP3_MOD, PM2_SUP